The following is an entry in ClinVar:

NM_144997.7(FLCN):c.330G>T (p.Gln110His)

Gene: FLCN (folliculin; minus strand). Cytogenetic location: 17p11.2.
Variant type: single nucleotide variant.
Coding change: c.330G>T on transcript NM_144997.7 (MANE Select); coding-DNA position 330, G replaced by T.
Protein change: p.Gln110His; replaces glutamine 110 with histidine.
Molecular consequence: missense variant.
Genome position (GRCh38, 1-based): chr17:17,226,242, C>A on the plus strand (G>T on the coding strand, the complement: FLCN is on the minus strand). VCF-style: chr17-17226242-C-A. GRCh37 (hg19) VCF-style: chr17-17129556-C-A.
Other names: c.330G>T, p.Gln110His (NM_001353229.2, NM_001353230.2, NM_001353231.2 and 1 more transcripts); short protein forms Q110H.
Identifiers: ClinVar variation 3850569 (VCV003850569.1).
Genomic context (GRCh38, chr17:17,226,242, plus strand): 5'-GCTCAGGCTCCGGACACAGGCCTGGCGGACAATGCTGAAGAGCTGGGGGTGGCTGGGGTG[C>A]TGGTGGCTGACGTATTTAATGGAGGTCTCTTTATCATGGCTGATATATCCCGGGTGCCCT-3'
Protein context (NP_659434.2, residues 100-120): KETSIKYVSH[Gln110His]HPSHPQLFSI

ClinVar aggregate classification (germline): Uncertain significance (1 of 4 stars; one submission).

Conditions:
Hereditary cancer-predisposing syndrome. Also called: Hereditary neoplastic syndrome; Neoplastic Syndromes, Hereditary; Tumor predisposition; Hereditary Cancer Syndrome. Identifiers: Orphanet 140162, MedGen C0027672, MeSH D009386, MONDO:0015356.

Submission:

Ambry Genetics
Classification: Uncertain significance for Hereditary cancer-predisposing syndrome. Last evaluated: 2025-01-08. Review status: criteria provided, single submitter. Criteria: Ambry Variant Classification Scheme 2023. Collection method: clinical testing. Allele origin: germline.
Comment: The p.Q110H variant (also known as c.330G>T), located in coding exon 2 of the FLCN gene, results from a G to T substitution at nucleotide position 330. The glutamine at codon 110 is replaced by histidine, an amino acid with highly similar properties. This amino acid position is conserved. In addition, this alteration is predicted to be deleterious by in silico analysis. Based on the available evidence, the clinical significance of this variant remains unclear.